The following continues an entry in ClinVar:

NM_007294.4(BRCA1):c.2800C>T (p.Gln934Ter)

Gene: BRCA1. ClinVar aggregate classification (germline): Pathogenic. Pathogenic (1).

Submissions 12 to 21 of 21:

Consortium of Investigators of Modifiers of BRCA1/2 (CIMBA), c/o University of Cambridge
Classification: Pathogenic for Breast-ovarian cancer, familial, susceptibility to, 1. Last evaluated: 2015-10-02. Review status: criteria provided, single submitter. Criteria: CIMBA Mutation Classification guidelines May 2016. Collection method: clinical testing. Allele origin: germline. Not counted in ClinVar's aggregate classification.

Clinical Genetics DNA and cytogenetics Diagnostics Lab, Erasmus MC, Erasmus Medical Center
Classification: Pathogenic for Breast-ovarian cancer, familial, susceptibility to, 1. Last evaluated: 2015-09-21. Review status: criteria provided, single submitter. Criteria: ACGS Guidelines, 2013. Collection method: clinical testing. Allele origin: germline. Affected: yes. Study: VKGL Data-share Consensus. Not counted in ClinVar's aggregate classification.

Medical Genetics Laboratory, Umraniye Training and Research Hospital, University of Health Sciences
Classification: Pathogenic for Ovarian carcinoma. Last evaluated: 2021-09-12. Review status: no assertion criteria provided. Collection method: clinical testing. Allele origin: germline. Inheritance: Autosomal dominant inheritance. Affected: yes. Observed: 1 heterozygote. Not counted in ClinVar's aggregate classification.

BRCAlab, Lund University
Classification: Pathogenic for Breast-ovarian cancer, familial, susceptibility to, 1. Last evaluated: 2020-03-02. Review status: no assertion criteria provided. Collection method: clinical testing. Allele origin: germline. Affected: yes. Not counted in ClinVar's aggregate classification.

Sharing Clinical Reports Project (SCRP)
Classification: Pathogenic for Breast-ovarian cancer, familial 1. Last evaluated: 2011-12-13. Review status: no assertion criteria provided. Collection method: clinical testing. Allele origin: germline. Not counted in ClinVar's aggregate classification.

Breast Cancer Information Core (BIC) (BRCA1)
Classification: Pathogenic for Breast-ovarian cancer, familial 1. Last evaluated: 2002-05-29. Review status: no assertion criteria provided. Collection method: clinical testing. Allele origin: germline, unknown. Affected: yes. Observed: 4 variant alleles. Not counted in ClinVar's aggregate classification.

Department of Pathology and Laboratory Medicine, Sinai Health System
Classification: Pathogenic for Malignant tumor of breast. Review status: no assertion criteria provided. Collection method: clinical testing. Allele origin: unknown. Affected: yes. Observed: 1 variant allele. Study: The Canadian Open Genetics Repository (COGR). Not counted in ClinVar's aggregate classification.
Comment: The BRCA1 p.Gln934X variant was identified in 18 of 6044 proband chromosomes (frequency: 0.003) from individuals or families with breast and ovarian cancer (Arai 2018, Hirotsu 2014, Ikeda 2001, John 2007, Sekine 2001, Sugano 2008). The variant was also identified in the following databases: dbSNP (ID: rs80357223) as "With Pathogenic allele", ClinVar (7x pathogenic including review by exper panel ENIGMA), Clinvitae (4x pathogenic), LOVD 3.0 (12x), UMD-LSDB (3x causal), BIC Database (4x pathogenic), and ARUP Laboratories (definitely pathogenic). The variant was not identified in GeneInsight-COGR, Cosmic, MutDB, or the Zhejiang Colon Cancer Database. The variant was not identified in the following control databases: the 1000 Genomes Project, the NHLBI GO Exome Sequencing Project, the Exome Aggregation Consortium (August 8th 2016), or the Genome Aggregation Database (Feb 27, 2017). This variant has been suggested to be a founder mutation in the Japanese population (Sekine 2001). The c.2800C>T variant leads to a premature stop codon at position 934 which is predicted to lead to a truncated or absent protein and loss of function. Loss of function variants of the BRCA1 gene are an established mechanism of disease in hereditary breast and ovarian cancer and is the type of variant expected to cause the disorder. In summary, based on the above information this variant meets our laboratoryâ€šÃ„Ã´s criteria to be classified as pathogenic.

Diagnostic Laboratory, Department of Genetics, University Medical Center Groningen
Classification: Pathogenic for Breast-ovarian cancer, familial, susceptibility to, 1. Review status: no assertion criteria provided. Collection method: clinical testing. Allele origin: germline. Affected: yes. Study: VKGL Data-share Consensus. Not counted in ClinVar's aggregate classification.

Joint Genome Diagnostic Labs from Nijmegen and Maastricht, Radboudumc and MUMC+
Classification: Pathogenic. Review status: no assertion criteria provided. Collection method: clinical testing. Allele origin: germline. Affected: yes. Study: VKGL Data-share Consensus. Not counted in ClinVar's aggregate classification.

Laboratory of Urology, Hospital Clinic de Barcelona
Classification: Pathogenic for Malignant tumor of urinary bladder. Review status: no assertion criteria provided. Collection method: research. Allele origin: somatic. Affected: yes. Not counted in ClinVar's aggregate classification.

Literature cited by the submitters: PubMed 20104584 (cited by Labcorp Genetics (formerly Invitae), Labcorp); PubMed 10804288 (cited by Labcorp Genetics (formerly Invitae), Labcorp and Ambry Genetics); PubMed 11149425 (cited by Labcorp Genetics (formerly Invitae), Labcorp and Ambry Genetics); PubMed 11595708 (cited by 3 submitters); PubMed 18159056 (cited by Labcorp Genetics (formerly Invitae), Labcorp and Ambry Genetics); PubMed 19016756 (cited by Labcorp Genetics (formerly Invitae), Labcorp and Ambry Genetics); PubMed 25802882 (cited by Labcorp Genetics (formerly Invitae), Labcorp and Ambry Genetics); PubMed 24312913 (cited by Ambry Genetics); PubMed 25525159 (cited by Ambry Genetics); PubMed 10389907 (cited by Women's Health and Genetics/Laboratory Corporation of America, LabCorp); PubMed 29446198 (cited by Women's Health and Genetics/Laboratory Corporation of America, LabCorp).